The following is an entry in ClinVar:

NM_003242.6(TGFBR2):c.1555G>A (p.Glu519Lys)

Gene: TGFBR2 (transforming growth factor beta receptor 2; plus strand). Cytogenetic location: 3p24.1.
Variant type: single nucleotide variant.
Coding change: c.1555G>A on transcript NM_003242.6 (MANE Select); coding-DNA position 1555, G replaced by A.
Protein change: p.Glu519Lys; replaces glutamic acid 519 with lysine.
Molecular consequence: missense variant.
Genome position (GRCh38, 1-based): chr3:30,691,450, G>A. VCF-style: chr3-30691450-G-A. GRCh37 (hg19) VCF-style: chr3-30732942-G-A.
Other names: c.1630G>A, p.Glu544Lys (NM_001024847.3); c.1738G>A, p.Glu580Lys (NM_001407126.1); c.1663G>A, p.Glu555Lys (NM_001407127.1); c.1582G>A, p.Glu528Lys (NM_001407128.1); c.1558G>A, p.Glu520Lys (NM_001407129.1); c.1552G>A, p.Glu518Lys (NM_001407130.1); c.1450G>A, p.Glu484Lys (NM_001407132.1, NM_001407133.1, NM_001407134.1 and 2 more transcripts); c.1270G>A, p.Glu424Lys (NM_001407137.1); and 2 more; short protein forms E519K, E544K, E424K, E520K, E580K, E399K, E484K, E528K.
Identifiers: ClinVar variation 1066977 (VCV001066977.6), dbSNP rs2125455181, ClinGen allele CA351809542.
Genomic context (GRCh38, chr3:30,691,450, plus strand): 5'-GGTGCCCTTTGGATCTCTTTCCCGCTACAGGGCATCCAGATGGTGTGTGAGACGTTGACT[G>A]AGTGCTGGGACCACGACCCAGAGGCCCGTCTCACAGCCCAGTGTGTGGCAGAACGCTTCA-3'
Protein context (NP_003233.4, residues 509-529): GIQMVCETLT[Glu519Lys]CWDHDPEARL

ClinVar aggregate classification (germline): Likely pathogenic (1 of 4 stars; one submission).

Conditions:
Familial thoracic aortic aneurysm and aortic dissection (TAAD). Also called: Thoracic aortic aneurysms and dissections. Identifiers: Orphanet 91387, MedGen C4707243, MONDO:0019625.

Submission:

Labcorp Genetics (formerly Invitae), Labcorp
Classification: Likely pathogenic for Familial thoracic aortic aneurysm and aortic dissection. Last evaluated: 2020-04-22. Review status: criteria provided, single submitter. Criteria: Invitae Variant Classification Sherloc (09022015). Collection method: clinical testing. Allele origin: germline.
Comment: This variant is not present in population databases (ExAC no frequency). This sequence change replaces glutamic acid with lysine at codon 519 of the TGFBR2 protein (p.Glu519Lys). The glutamic acid residue is highly conserved and there is a small physicochemical difference between glutamic acid and lysine. This variant has been observed in individual(s) with clinical features of Loeys-Dietz syndrome (PMID: 16928994, Invitae). In at least one individual the variant was observed to be de novo. Algorithms developed to predict the effect of missense changes on protein structure and function are either unavailable or do not agree on the potential impact of this missense change (SIFT: "Deleterious"; PolyPhen-2: "Probably Damaging"; Align-GVGD: "Class C0"). In summary, the currently available evidence indicates that the variant is pathogenic, but additional data are needed to prove that conclusively. Therefore, this variant has been classified as Likely Pathogenic.

Literature cited by the submitters: PubMed 16928994.